The following is an entry in ClinVar:

ClinVar aggregate classification (germline): Likely benign. Review status: criteria provided, single submitter (1 of 4 stars). 2 submissions from 2 submitters: Likely benign (1). 1 of the submissions does not count toward it. Last evaluated 2023-07-01.

Conditions:
Alpha thalassemia-X-linked intellectual disability syndrome (ATRX). Also called: ALPHA-THALASSEMIA/MENTAL RETARDATION SYNDROME, X-LINKED; ATR, NONDELETION TYPE; ATR-X syndrome; Alpha thalassemia mental retardation syndrome, nondeletion type, X-linked; XLMR hypotonic face syndrome; X-linked alpha-thalassemia-mental retardation syndrome. Identifiers: Orphanet 847, MedGen C1845055, MONDO:0010519, OMIM 301040.
ATRX-related disorder. Also called: ATRX-related condition.

Allele frequency attached by ClinVar (database versions not stated): gnomAD exomes 0.00001; TOPMed 0.00002.
gnomAD v4.1: 3 of 1,208,037 alleles (0.00025%); highest among the groups gnomAD compares: Non-Finnish European, 0.00034%; no homozygotes.

Submissions (2):

Labcorp Genetics (formerly Invitae), Labcorp
Classification: Likely benign for Alpha thalassemia-X-linked intellectual disability syndrome. Last evaluated: 2023-07-01. Review status: criteria provided, single submitter. Criteria: Invitae Variant Classification Sherloc (09022015). Collection method: clinical testing. Allele origin: germline.

PreventionGenetics, part of Exact Sciences
Classification: Likely benign for ATRX-related condition. Last evaluated: 2022-12-27. Review status: no assertion criteria provided. Collection method: clinical testing. Allele origin: germline. Not counted in ClinVar's aggregate classification.
Comment: This variant is classified as likely benign based on ACMG/AMP sequence variant interpretation guidelines (Richards et al. 2015 PMID: 25741868, with internal and published modifications).

NM_000489.6(ATRX):c.5175A>G (p.Lys1725=)

Gene: ATRX (ATRX chromatin remodeler; minus strand). Cytogenetic location: Xq21.1.
Variant type: single nucleotide variant.
Coding change: c.5175A>G on transcript NM_000489.6 (MANE Select); coding-DNA position 5175, A replaced by G.
Protein change: p.Lys1725=; no amino-acid change (lysine 1725 retained).
Molecular consequence: synonymous variant.
Genome position (GRCh38, 1-based): chrX:77,620,492, T>C on the plus strand (A>G on the coding strand, the complement: ATRX is on the minus strand). VCF-style: chrX-77620492-T-C. GRCh37 (hg19) VCF-style: chrX-76875960-T-C.
Other names: c.5061A>G, p.Lys1687= (NM_138270.5); c.5175A>G (NM_000489.4).
Identifiers: ClinVar variation 1113453 (VCV001113453.11), dbSNP rs1557099296, ClinGen allele CA517375479.